The following is an entry in ClinVar:

NM_001384140.1(PCDH15):c.1114G>T (p.Gly372Cys)

Gene: PCDH15 (protocadherin related 15; minus strand). Cytogenetic location: 10q21.1.
Variant type: single nucleotide variant.
Coding change: c.1114G>T on transcript NM_001384140.1 (MANE Select); coding-DNA position 1114, G replaced by T.
Protein change: p.Gly372Cys; replaces glycine 372 with cysteine.
Molecular consequence: missense variant.
Genome position (GRCh38, 1-based): chr10:54,195,874, C>A on the plus strand (G>T on the coding strand, the complement: PCDH15 is on the minus strand). VCF-style: chr10-54195874-C-A. GRCh37 (hg19) VCF-style: chr10-55955634-C-A.
Other names: c.1129G>T, p.Gly377Cys (NM_001142763.2, NM_001142769.4, NM_001142771.2); c.1114G>T, p.Gly372Cys (NM_001142764.2, NM_001142765.2, NM_001142766.2 and 7 more transcripts); c.1003G>T, p.Gly335Cys (NM_001142767.2); c.1048G>T, p.Gly350Cys (NM_001142768.2, NM_001142773.2, NM_001354404.2); short protein forms G350C, G377C, G372C, G335C.
Identifiers: ClinVar variation 4776635 (VCV004776635.1).

ClinVar aggregate classification (germline): Uncertain significance (1 of 4 stars; one submission).

gnomAD v4.1: 1 of 1,613,428 alleles (0.000062%); highest among the groups gnomAD compares: Non-Finnish European, 0.000085%; no homozygotes.

Submission:

Labcorp Genetics (formerly Invitae), Labcorp
Classification: Uncertain significance. Last evaluated: 2025-10-18. Review status: criteria provided, single submitter. Criteria: Invitae Variant Classification Sherloc (09022015). Collection method: clinical testing. Allele origin: germline.
Comment: This sequence change replaces glycine, which is neutral and non-polar, with cysteine, which is neutral and slightly polar, at codon 372 of the PCDH15 protein (p.Gly372Cys). This variant is not present in population databases (gnomAD no frequency). This variant has not been reported in the literature in individuals affected with PCDH15-related conditions. Invitae Evidence Modeling of protein sequence and biophysical properties (such as structural, functional, and spatial information, amino acid conservation, physicochemical variation, residue mobility, and thermodynamic stability) has been performed for this missense variant. However, the output from this modeling did not meet the statistical confidence thresholds required to predict the impact of this variant on PCDH15 protein function. In summary, the available evidence is currently insufficient to determine the role of this variant in disease. Therefore, it has been classified as a Variant of Uncertain Significance.